The following is an entry in ClinVar:

ClinVar aggregate classification (germline): Likely benign. Review status: criteria provided, multiple submitters, no conflicts (2 of 4 stars). 3 submissions from 3 submitters: Likely benign (3). Last evaluated 2024-12-30.

Conditions:
Cardiovascular phenotype. Identifiers: MedGen CN230736.
JAG1-related disorder. Also called: JAG1-related condition; JAG1-related disorders.
Alagille syndrome due to a JAG1 point mutation. Also called: HEPATIC DUCTULAR HYPOPLASIA, SYNDROMATIC; Alagille Syndrome 1; JAG1-Related Alagille Syndrome. Identifiers: Orphanet 261619, Orphanet 52, MedGen C1956125, MONDO:0016862, OMIM 118450.

Allele frequency attached by ClinVar (database versions not stated): gnomAD 0.00001; gnomAD exomes 0.00002; TOPMed 0.00002.
gnomAD v4.1: 31 of 1,613,572 alleles (0.0019%); highest among the groups gnomAD compares: Non-Finnish European, 0.0025%; no homozygotes.

Submissions (3):

PreventionGenetics, part of Exact Sciences
Classification: Likely benign for JAG1-related condition. Last evaluated: 2024-12-30. Review status: criteria provided, single submitter. Criteria: ACMG Guidelines, 2015. Collection method: clinical testing. Allele origin: germline.
Comment: This variant is classified as likely benign based on ACMG/AMP sequence variant interpretation guidelines (Richards et al. 2015 PMID: 25741868, with internal and published modifications).

Ambry Genetics
Classification: Likely benign for Cardiovascular phenotype. Last evaluated: 2024-07-30. Review status: criteria provided, single submitter. Criteria: Ambry Variant Classification Scheme 2023. Collection method: clinical testing. Allele origin: germline.

Labcorp Genetics (formerly Invitae), Labcorp
Classification: Likely benign for Alagille syndrome due to a JAG1 point mutation. Last evaluated: 2022-11-06. Review status: criteria provided, single submitter. Criteria: Invitae Variant Classification Sherloc (09022015). Collection method: clinical testing. Allele origin: germline.

NM_000214.3(JAG1):c.1092A>G (p.Pro364=)

Gene: JAG1 (jagged canonical Notch ligand 1; minus strand). Cytogenetic location: 20p12.2.
Variant type: single nucleotide variant.
Coding change: c.1092A>G on transcript NM_000214.3 (MANE Select); coding-DNA position 1092, A replaced by G.
Protein change: p.Pro364=; no amino-acid change (proline 364 retained).
Molecular consequence: synonymous variant.
Genome position (GRCh38, 1-based): chr20:10,651,609, T>C on the plus strand (A>G on the coding strand, the complement: JAG1 is on the minus strand). VCF-style: chr20-10651609-T-C. GRCh37 (hg19) VCF-style: chr20-10632257-T-C.
Other names: c.1092A>G (NM_000214.2).
Identifiers: ClinVar variation 2169051 (VCV002169051.6), dbSNP rs936351059, ClinGen allele CA311349578.
Genomic context (GRCh38, chr20:10,651,609, plus strand): 5'-TAGAATGGACACAGGCTGAAAATTGGACTTACTTGTAGAGCATGTGGGGCCGGTCCAGCC[T>C]GGGGAACACTCACACTCAAAGCCCAGGGAGGTCTCCTTACAGCTGCCTCTGTTGTGACAG-3'
Protein context (NP_000205.1, residues 354-374): TSLGFECECS[Pro364=]GWTGPTCSTN